The following is an entry in ClinVar:

ClinVar aggregate classification (germline): Conflicting classifications of pathogenicity. Review status: criteria provided, conflicting classifications (1 of 4 stars). 6 submissions from 6 submitters: Uncertain significance (1); Likely benign (4). 1 of the submissions does not count toward it. Last evaluated 2026-07-01.

Conditions:
ATR-related disorder. Also called: ATR-related condition.
Inborn genetic diseases. Identifiers: MedGen C0950123, MeSH D030342.
Seckel syndrome 1 (SCKL1). Also called: MICROCEPHALIC PRIMORDIAL DWARFISM I. Identifiers: Orphanet 808, MedGen C4551474, MONDO:0008869, OMIM 210600.

Allele frequency attached by ClinVar (database versions not stated): 1000 Genomes Project 30x 0.00016; 1000 Genomes Project 0.00020; gnomAD 0.00031 and 0.00034; TOPMed 0.00037; ESP Exome Variant Server 0.00038; gnomAD exomes 0.00048; ExAC 0.00052.
gnomAD v4.1: 903 of 1,610,632 alleles (0.056%); highest among the groups gnomAD compares: Non-Finnish European, 0.071%; no homozygotes.

Submissions (6):

CeGaT Center for Human Genetics Tuebingen
Classification: Likely benign. Last evaluated: 2026-07-01. Review status: criteria provided, single submitter. Criteria: CeGaT Center For Human Genetics Tuebingen Variant Classification Criteria Version 2. Collection method: clinical testing. Allele origin: germline. Affected: yes. Observed: 9 variant alleles.
Comment: ATR: BP4, BP7

Labcorp Genetics (formerly Invitae), Labcorp
Classification: Likely benign. Last evaluated: 2025-12-31. Review status: criteria provided, single submitter. Criteria: Invitae Variant Classification Sherloc (09022015). Collection method: clinical testing. Allele origin: germline.

Blueprint Genetics
Classification: Likely benign. Last evaluated: 2024-11-15. Review status: criteria provided, single submitter. Criteria: ACMG Guidelines, 2015. Collection method: clinical testing. Allele origin: germline.

Ambry Genetics
Classification: Likely benign for Inborn genetic diseases. Last evaluated: 2022-02-12. Review status: criteria provided, single submitter. Criteria: Ambry Variant Classification Scheme 2023. Collection method: clinical testing. Allele origin: germline.

Illumina Laboratory Services, Illumina
Classification: Uncertain significance for Seckel syndrome 1. Last evaluated: 2017-04-27. Review status: criteria provided, single submitter. Criteria: ICSL Variant Classification Criteria 13 December 2019. Collection method: clinical testing. Allele origin: germline.

PreventionGenetics, part of Exact Sciences
Classification: Likely benign for ATR-related condition. Last evaluated: 2024-07-03. Review status: no assertion criteria provided. Collection method: clinical testing. Allele origin: germline. Not counted in ClinVar's aggregate classification.
Comment: This variant is classified as likely benign based on ACMG/AMP sequence variant interpretation guidelines (Richards et al. 2015 PMID: 25741868, with internal and published modifications).

NM_001184.4(ATR):c.1764A>G (p.Glu588=)

Gene: ATR (ATR checkpoint kinase; minus strand). Cytogenetic location: 3q23.
Variant type: single nucleotide variant.
Coding change: c.1764A>G on transcript NM_001184.4 (MANE Select); coding-DNA position 1764, A replaced by G.
Protein change: p.Glu588=; no amino-acid change (glutamic acid 588 retained).
Molecular consequence: synonymous variant.
Genome position (GRCh38, 1-based): chr3:142,558,745, T>C on the plus strand (A>G on the coding strand, the complement: ATR is on the minus strand). VCF-style: chr3-142558745-T-C. GRCh37 (hg19) VCF-style: chr3-142277587-T-C.
Other names: c.1572A>G, p.Glu524= (NM_001354579.2).
Identifiers: ClinVar variation 901181 (VCV000901181.39), dbSNP rs149482096, ClinGen allele CA2650519.